The following is an entry in ClinVar:

NM_000147.5(FUCA1):c.34G>T (p.Gly12Cys)

Gene: FUCA1 (alpha-L-fucosidase 1; minus strand). Cytogenetic location: 1p36.11.
Variant type: single nucleotide variant.
Coding change: c.34G>T on transcript NM_000147.5 (MANE Select); coding-DNA position 34, G replaced by T.
Protein change: p.Gly12Cys; replaces glycine 12 with cysteine.
Molecular consequence: missense variant.
Genome position (GRCh38, 1-based): chr1:23,868,253, C>A on the plus strand (G>T on the coding strand, the complement: FUCA1 is on the minus strand). VCF-style: chr1-23868253-C-A. GRCh37 (hg19) VCF-style: chr1-24194743-C-A.
Other names: p.Gly12Cys; c.34G>T (NM_000147.4); short protein forms G12C.
Identifiers: ClinVar variation 1496203 (VCV001496203.5), dbSNP rs530854024, ClinGen allele CA686636.
Genomic context (GRCh38, chr1:23,868,253, plus strand): 5'-GGGCCCGACGCACCGACTCGGCCGCTCCGAGGAAGAGCAGCAGCAGCAACAGCGCGGGAC[C>A]CGCCGGCCGCGACCTCATCCCCGGAGCCCGCATCGCTACCCCTCAGCGACGCGGCCCACT-3'
Protein context (NP_000138.2, residues 2-22): RAPGMRSRPA[Gly12Cys]PALLLLLLFL

ClinVar aggregate classification (germline): Uncertain significance. Review status: criteria provided, multiple submitters, no conflicts (2 of 4 stars). 3 submissions from 3 submitters: Uncertain significance (3). Last evaluated 2025-09-03.

Conditions:
Fucosidosis. Also called: ALPHA-L-FUCOSIDASE DEFICIENCY. Identifiers: Orphanet 349, MedGen C0016788, MONDO:0009254, OMIM 230000.
Inborn genetic diseases. Identifiers: MedGen C0950123, MeSH D030342.

Allele frequency attached by ClinVar (database versions not stated): ExAC 0.00006; 1000 Genomes Project 0.00040; 1000 Genomes Project 30x 0.00062; gnomAD exomes 0.00010.
gnomAD v4.1: 100 of 1,558,782 alleles (0.0064%); highest among the groups gnomAD compares: Middle Eastern, 0.23%; no homozygotes.

Submissions (3):

Mayo Clinic Laboratories, Mayo Clinic
Classification: Uncertain significance. Last evaluated: 2025-09-03. Review status: criteria provided, single submitter. Criteria: ACMG Guidelines, 2015. Collection method: clinical testing. Allele origin: germline. Observed: 1 variant allele.
Comment: BP4_moderate

Ambry Genetics
Classification: Uncertain significance for Inborn genetic diseases. Last evaluated: 2025-08-08. Review status: criteria provided, single submitter. Criteria: Ambry Variant Classification Scheme 2023. Collection method: clinical testing. Allele origin: germline.

Labcorp Genetics (formerly Invitae), Labcorp
Classification: Uncertain significance for Fucosidosis. Last evaluated: 2022-10-25. Review status: criteria provided, single submitter. Criteria: Invitae Variant Classification Sherloc (09022015). Collection method: clinical testing. Allele origin: germline.
Comment: This sequence change replaces glycine, which is neutral and non-polar, with cysteine, which is neutral and slightly polar, at codon 12 of the FUCA1 protein (p.Gly12Cys). This variant is present in population databases (rs530854024, gnomAD 0.03%). This variant has not been reported in the literature in individuals affected with FUCA1-related conditions. ClinVar contains an entry for this variant (Variation ID: 1496203). Algorithms developed to predict the effect of missense changes on protein structure and function are either unavailable or do not agree on the potential impact of this missense change (SIFT: "Deleterious"; PolyPhen-2: "Benign"; Align-GVGD: "Class C0"). In summary, the available evidence is currently insufficient to determine the role of this variant in disease. Therefore, it has been classified as a Variant of Uncertain Significance.